The following is an entry in ClinVar:

ClinVar aggregate classification (germline): Uncertain significance. Review status: criteria provided, multiple submitters, no conflicts (2 of 4 stars). 5 submissions from 5 submitters: Uncertain significance (5). Last evaluated 2025-11-16.

Conditions:
Hereditary cancer-predisposing syndrome. Also called: Tumor predisposition; Neoplastic Syndromes, Hereditary; Hereditary Cancer Syndrome; Hereditary neoplastic syndrome. Identifiers: Orphanet 140162, MedGen C0027672, MeSH D009386, MONDO:0015356.
Tuberous sclerosis syndrome (TSC). Also called: Tuberous Sclerosis Complex; Tuberous sclerosis. Identifiers: Orphanet 805, MedGen C0041341, MONDO:0001734.
Isolated focal cortical dysplasia type II (FCORD2). Also called: CORTICAL DYSPLASIA OF TAYLOR; Focal cortical dysplasia type II. Identifiers: Orphanet 268994, MedGen C1846385, MONDO:0011818, OMIM 607341, HP:0032051.
Tuberous sclerosis 2 (TSC2). Identifiers: Orphanet 805, MedGen C1860707, MONDO:0013199, OMIM 613254.
TSC2-related disorder. Also called: TSC2-Related Disorders; TSC2-related condition.

Allele frequency attached by ClinVar (database versions not stated): gnomAD exomes below 0.00001; gnomAD 0.00001; TOPMed 0.00001.
gnomAD v4.1: 3 of 1,610,460 alleles (0.00019%); highest among the groups gnomAD compares: African/African-American, 0.0027%; no homozygotes.

Submissions (5):

Labcorp Genetics (formerly Invitae), Labcorp
Classification: Uncertain significance for Tuberous sclerosis 2. Last evaluated: 2025-11-16. Review status: criteria provided, single submitter. Criteria: Invitae Variant Classification Sherloc (09022015). Collection method: clinical testing. Allele origin: germline.
Comment: This sequence change replaces lysine, which is basic and polar, with glutamic acid, which is acidic and polar, at codon 1404 of the TSC2 protein (p.Lys1404Glu). This variant is not present in population databases (gnomAD no frequency). This variant has not been reported in the literature in individuals affected with TSC2-related conditions. ClinVar contains an entry for this variant (Variation ID: 1417934). Invitae Evidence Modeling of protein sequence and biophysical properties (such as structural, functional, and spatial information, amino acid conservation, physicochemical variation, residue mobility, and thermodynamic stability) indicates that this missense variant is not expected to disrupt TSC2 protein function with a negative predictive value of 95%. In summary, the available evidence is currently insufficient to determine the role of this variant in disease. Therefore, it has been classified as a Variant of Uncertain Significance.

PreventionGenetics, part of Exact Sciences
Classification: Uncertain significance for TSC2-related condition. Last evaluated: 2025-07-31. Review status: criteria provided, single submitter. Criteria: ACMG Guidelines, 2015. Collection method: clinical testing. Allele origin: germline.
Comment: The TSC2 c.4210A>G variant is predicted to result in the amino acid substitution p.Lys1404Glu. To our knowledge, this variant has not been reported in the literature or in a large population database (gnomAD), indicating it is rare. This variant has been classified as uncertain in ClinVar (Variation ID: 1417934). At this time, the clinical significance of this variant is uncertain due to the absence of conclusive functional and genetic evidence.

Color Diagnostics, LLC DBA Color Health
Classification: Uncertain significance for Tuberous sclerosis syndrome. Last evaluated: 2025-07-24. Review status: criteria provided, single submitter. Criteria: ACMG Guidelines, 2015. Collection method: clinical testing. Allele origin: germline.
Comment: This missense variant replaces lysine with glutamic acid at codon 1404 of the TSC2 protein. Computational prediction suggests that this variant may not impact protein structure and function. To our knowledge, functional studies have not been reported for this variant. This variant has not been reported in individuals affected with TSC2-related disorders in the literature. This variant has not been identified in the general population by the Genome Aggregation Database (gnomAD). The available evidence is insufficient to determine the role of this variant in disease conclusively. Therefore, this variant is classified as a Variant of Uncertain Significance.

Ambry Genetics
Classification: Uncertain significance for Hereditary cancer-predisposing syndrome. Last evaluated: 2024-04-07. Review status: criteria provided, single submitter. Criteria: Ambry Variant Classification Scheme 2023. Collection method: clinical testing. Allele origin: germline.
Comment: The p.K1404E variant (also known as c.4210A>G), located in coding exon 33 of the TSC2 gene, results from an A to G substitution at nucleotide position 4210. The lysine at codon 1404 is replaced by glutamic acid, an amino acid with similar properties. This amino acid position is not well conserved in available vertebrate species. In addition, the in silico prediction for this alteration is inconclusive. Since supporting evidence is limited at this time, the clinical significance of this alteration remains unclear.

Baylor Genetics
Classification: Uncertain significance for Isolated focal cortical dysplasia type II. Last evaluated: 2023-09-25. Review status: criteria provided, single submitter. Criteria: ACMG Guidelines, 2015. Collection method: clinical testing. Allele origin: unknown.

NM_000548.5(TSC2):c.4210A>G (p.Lys1404Glu)

Gene: TSC2 (TSC complex subunit 2; plus strand). Cytogenetic location: 16p13.3.
Variant type: single nucleotide variant.
Coding change: c.4210A>G on transcript NM_000548.5 (MANE Select); coding-DNA position 4210, A replaced by G.
Protein change: p.Lys1404Glu; replaces lysine 1404 with glutamic acid.
Molecular consequence: missense variant.
Genome position (GRCh38, 1-based): chr16:2,084,432, A>G. VCF-style: chr16-2084432-A-G. GRCh37 (hg19) VCF-style: chr16-2134433-A-G.
Other names: c.4009A>G, p.Lys1337Glu (NM_001077183.3); c.4141A>G, p.Lys1381Glu (NM_001114382.3); c.3901A>G, p.Lys1301Glu (NM_001318827.2); c.3865A>G, p.Lys1289Glu (NM_001318829.2); c.3478A>G, p.Lys1160Glu (NM_001318831.2); c.4042A>G, p.Lys1348Glu (NM_001318832.2); c.4012A>G, p.Lys1338Glu (NM_001363528.2); c.4078A>G, p.Lys1360Glu (NM_001370404.1); and 2 more; short protein forms K1381E, K1337E, K1160E, K1289E, K1338E, K1301E, K1348E, K1360E.
Identifiers: ClinVar variation 1417934 (VCV001417934.11), dbSNP rs1384101814, ClinGen allele CA394299947.